The following is an entry in ClinVar:

NM_001048166.1(STIL):c.3640G>A (p.Glu1214Lys)

Gene: STIL (STIL centriolar assembly protein; minus strand). Cytogenetic location: 1p33.
Variant type: single nucleotide variant.
Coding change: c.3640G>A on transcript NM_001048166.1 (MANE Select); coding-DNA position 3640, G replaced by A.
Protein change: p.Glu1214Lys; replaces glutamic acid 1214 with lysine.
Molecular consequence: missense variant.
Genome position (GRCh38, 1-based): chr1:47,251,363, C>T on the plus strand (G>A on the coding strand, the complement: STIL is on the minus strand). VCF-style: chr1-47251363-C-T. GRCh37 (hg19) VCF-style: chr1-47717035-C-T.
Other names: c.3637G>A, p.Glu1213Lys (NM_001282936.1, NM_003035.2); c.3586G>A, p.Glu1196Lys (NM_001282937.1); c.3499G>A, p.Glu1167Lys (NM_001282938.1, NM_001377417.1); c.3445G>A, p.Glu1149Lys (NM_001282939.1); short protein forms E1149K, E1196K, E1213K, E1167K, E1214K.
Identifiers: ClinVar variation 2045640 (VCV002045640.4), dbSNP rs2521942538, ClinGen allele CA340246065.

ClinVar aggregate classification (germline): Uncertain significance (1 of 4 stars; one submission).

Submission:

Labcorp Genetics (formerly Invitae), Labcorp
Classification: Uncertain significance. Last evaluated: 2024-02-12. Review status: criteria provided, single submitter. Criteria: Invitae Variant Classification Sherloc (09022015). Collection method: clinical testing. Allele origin: germline.
Comment: This sequence change replaces glutamic acid, which is acidic and polar, with lysine, which is basic and polar, at codon 1213 of the STIL protein (p.Glu1213Lys). This variant is not present in population databases (gnomAD no frequency). This variant has not been reported in the literature in individuals affected with STIL-related conditions. ClinVar contains an entry for this variant (Variation ID: 2045640). Advanced modeling of protein sequence and biophysical properties (such as structural, functional, and spatial information, amino acid conservation, physicochemical variation, residue mobility, and thermodynamic stability) performed at Invitae indicates that this missense variant is not expected to disrupt STIL protein function with a negative predictive value of 80%. In summary, the available evidence is currently insufficient to determine the role of this variant in disease. Therefore, it has been classified as a Variant of Uncertain Significance.